The following is an entry in ClinVar:

ClinVar aggregate classification (germline): Uncertain significance (1 of 4 stars; one submission).

Conditions:
Developmental delay, impaired speech, and behavioral abnormalities. Identifiers: MedGen C5561957, MONDO:0859178, OMIM 619475.

gnomAD v4.1: 8 of 1,614,208 alleles (0.0005%); highest among the groups gnomAD compares: Non-Finnish European, 0.00068%; no homozygotes.

Submission:

3billion
Classification: Uncertain significance for Developmental delay, impaired speech, and behavioral abnormalities. Last evaluated: 2021-10-25. Review status: criteria provided, single submitter. Criteria: ACMG Guidelines, 2015. Collection method: clinical testing. Allele origin: unknown. Affected: yes. Observed: 1 heterozygote.
Comment: This is not observed in the gnomAD v2.1.1 dataset (PM2). In silico tool predictions suggest damaging effect of the variant on gene or gene product (REVEL: 0.755, PP3). Therefore, this variant is classified as uncertain significance according to the recommendation of ACMG/AMP guideline.

NM_003128.3(SPTBN1):c.5708G>A (p.Arg1903His)

Gene: SPTBN1 (spectrin beta, non-erythrocytic 1; plus strand). Cytogenetic location: 2p16.2.
Variant type: single nucleotide variant.
Coding change: c.5708G>A on transcript NM_003128.3 (MANE Select); coding-DNA position 5708, G replaced by A.
Protein change: p.Arg1903His; replaces arginine 1903 with histidine.
Molecular consequence: missense variant.
Genome position (GRCh38, 1-based): chr2:54,653,739, G>A. VCF-style: chr2-54653739-G-A. GRCh37 (hg19) VCF-style: chr2-54880876-G-A.
Other names: c.5669G>A, p.Arg1890His (NM_178313.3); short protein forms R1890H, R1903H.
Identifiers: ClinVar variation 1321303 (VCV001321303.1), dbSNP rs781433605, ClinGen allele CA47485650.
Genomic context (GRCh38, chr2:54,653,739, plus strand): 5'-AGAAGCGCGAGAACGAGGTCCTGGAAGCCTGGAAGTCCCTCCTGGACGCCTGTGAGAGCC[G>A]CAGGGTGCGGCTGGTGGACACAGGGGACAAGTTCCGCTTCTTCAGCATGGTGCGCGACCT-3'
Protein context (NP_003119.2, residues 1893-1913): WKSLLDACES[Arg1903His]RVRLVDTGDK